The following is an entry in ClinVar:

ClinVar aggregate classification (germline): Benign/Likely benign. Review status: criteria provided, multiple submitters, no conflicts (2 of 4 stars). 7 submissions from 7 submitters: Benign (6); Likely benign (1). Last evaluated 2026-02-04.

Conditions:
Hepatic veno-occlusive disease-immunodeficiency syndrome. Also called: Hepatic Veno-Occlusive Disease with Immunodeficiency. Identifiers: Orphanet 79124, MedGen C1856128, MONDO:0009338, OMIM 235550. Disease mechanism: loss of function.

Allele frequency attached by ClinVar (database versions not stated): 1000 Genomes Project 0.03994; 1000 Genomes Project 30x 0.04044; TOPMed 0.05214; gnomAD 0.05280 and 0.05293; gnomAD exomes 0.05988; ESP Exome Variant Server 0.06020; ExAC 0.06055.
gnomAD v4.1: 109,375 of 1,613,902 alleles (6.8%); highest among the groups gnomAD compares: Middle Eastern, 8.7%; 4,259 homozygotes.

Submissions (7):

Labcorp Genetics (formerly Invitae), Labcorp
Classification: Benign for Hepatic veno-occlusive disease-immunodeficiency syndrome. Last evaluated: 2026-02-04. Review status: criteria provided, single submitter. Criteria: Invitae Variant Classification Sherloc (09022015). Collection method: clinical testing. Allele origin: germline.

Blueprint Genetics
Classification: Likely benign. Last evaluated: 2024-11-26. Review status: criteria provided, single submitter. Criteria: ACMG Guidelines, 2015. Collection method: clinical testing. Allele origin: germline.

Mayo Clinic Laboratories, Mayo Clinic
Classification: Benign. Last evaluated: 2022-09-06. Review status: criteria provided, single submitter. Criteria: ACMG Guidelines, 2015. Collection method: clinical testing. Allele origin: germline. Observed: 2 variant alleles.

GeneDx
Classification: Benign. Last evaluated: 2019-11-29. Review status: criteria provided, single submitter. Criteria: GeneDx Variant Classification Process June 2021. Collection method: clinical testing. Allele origin: germline. Affected: yes.

Illumina Laboratory Services, Illumina
Classification: Benign for Hepatic veno-occlusive disease-immunodeficiency syndrome. Last evaluated: 2018-01-13. Review status: criteria provided, single submitter. Criteria: ICSL Variant Classification Criteria 13 December 2019. Collection method: clinical testing. Allele origin: germline.
Comment: This variant was observed in the ICSL laboratory as part of a predisposition screen in an ostensibly healthy population. It had not been previously curated by ICSL or reported in the Human Gene Mutation Database (HGMD: prior to June 1st, 2018), and was therefore a candidate for classification through an automated scoring system. Utilizing variant allele frequency, disease prevalence and penetrance estimates, and inheritance mode, an automated score was calculated to assess if this variant is too frequent to cause the disease. Based on the score and internal cut-off values, a variant classified as benign is not then subjected to further curation. The score for this variant resulted in a classification of benign for this disease.

Laboratory for Molecular Medicine, Mass General Brigham Personalized Medicine
Classification: Benign. Last evaluated: 2016-03-29. Review status: criteria provided, single submitter. Criteria: LMM Criteria. Collection method: clinical testing. Allele origin: germline.
Comment: Variant identified in a genome or exome case(s) and assessed due to predicted null impact of the variant or pathogenic assertions in the literature or databases. Disclaimer: This variant has not undergone full assessment. The following are preliminary notes: MAF

Breakthrough Genomics
Classification: Benign. Review status: criteria provided, single submitter. Criteria: ACMG Guidelines, 2015. Collection method: not provided. Allele origin: germline. Inheritance: Autosomal recessive inheritance. Affected: yes.

NM_080424.4(SP110):c.1650T>C (p.Gly550=)

Gene: SP110 (SP110 nuclear body protein; minus strand). Cytogenetic location: 2q37.1.
Variant type: single nucleotide variant.
Coding change: c.1650T>C on transcript NM_080424.4 (MANE Select); coding-DNA position 1650, T replaced by C.
Protein change: p.Gly550=; no amino-acid change (glycine 550 retained).
Molecular consequence: synonymous variant.
Genome position (GRCh38, 1-based): chr2:230,172,900, A>G on the plus strand (T>C on the coding strand, the complement: SP110 is on the minus strand). VCF-style: chr2-230172900-A-G. GRCh37 (hg19) VCF-style: chr2-231037616-A-G.
Other names: p.Gly550=; c.1650T>C (NM_004509.4); c.1668T>C, p.Gly556= (NM_001378442.1, NM_001378444.1, NM_001378445.1 and 1 more transcripts); c.1650T>C, p.Gly550= (NM_001378443.1, NM_004509.5).
Identifiers: ClinVar variation 334900 (VCV000334900.22), dbSNP rs35495464, ClinGen allele CA2154393.